The following is an entry in ClinVar:

ClinVar aggregate classification (germline): Uncertain significance (1 of 4 stars; one submission).

Conditions:
Inborn genetic diseases. Identifiers: MedGen C0950123, MeSH D030342.

Submission:

Ambry Genetics
Classification: Uncertain significance for Inborn genetic diseases. Last evaluated: 2025-01-10. Review status: criteria provided, single submitter. Criteria: Ambry Variant Classification Scheme 2023. Collection method: clinical testing. Allele origin: germline.
Comment: The p.C499Y variant (also known as c.1496G>A), located in coding exon 11 of the BUB1B gene, results from a G to A substitution at nucleotide position 1496. The cysteine at codon 499 is replaced by tyrosine, an amino acid with highly dissimilar properties. This amino acid position is conserved. In addition, this alteration is predicted to be tolerated by in silico analysis. Based on the available evidence, the clinical significance of this variant remains unclear.

NM_001211.6(BUB1B):c.1496G>A (p.Cys499Tyr)

Gene: BUB1B (BUB1 mitotic checkpoint serine/threonine kinase B; plus strand). Cytogenetic location: 15q15.1.
Variant type: single nucleotide variant.
Coding change: c.1496G>A on transcript NM_001211.6 (MANE Select); coding-DNA position 1496, G replaced by A.
Protein change: p.Cys499Tyr; replaces cysteine 499 with tyrosine.
Molecular consequence: missense variant.
Genome position (GRCh38, 1-based): chr15:40,200,338, G>A. VCF-style: chr15-40200338-G-A. GRCh37 (hg19) VCF-style: chr15-40492539-G-A.
Other names: short protein forms C499Y.
Identifiers: ClinVar variation 3826093 (VCV003826093.1).